The following is an entry in ClinVar:

ClinVar aggregate classification (germline): Uncertain significance. Review status: criteria provided, multiple submitters, no conflicts (2 of 4 stars). 2 submissions from 2 submitters: Uncertain significance (2). Last evaluated 2025-05-21.

Conditions:
Autosomal dominant limb-girdle muscular dystrophy type 1F (LGMDD2). Also called: Limb-girdle muscular dystrophy, type 1F; MUSCULAR DYSTROPHY, LIMB-GIRDLE, AUTOSOMAL DOMINANT 2. Identifiers: Orphanet 55595, MedGen C1842062, MONDO:0012034, OMIM 608423.

Allele frequency attached by ClinVar (database versions not stated): gnomAD exomes 0.00001.
gnomAD v4.1: 10 of 1,613,896 alleles (0.00062%); highest among the groups gnomAD compares: Non-Finnish European, 0.00076%; no homozygotes.

Submissions (2):

Revvity Omics, Revvity
Classification: Uncertain significance for Autosomal dominant limb-girdle muscular dystrophy type 1F. Last evaluated: 2025-05-21. Review status: criteria provided, single submitter. Criteria: ACMG Guidelines, 2015. Collection method: clinical testing. Allele origin: germline.

Labcorp Genetics (formerly Invitae), Labcorp
Classification: Uncertain significance for Autosomal dominant limb-girdle muscular dystrophy type 1F. Last evaluated: 2022-11-23. Review status: criteria provided, single submitter. Criteria: Invitae Variant Classification Sherloc (09022015). Collection method: clinical testing. Allele origin: germline.
Comment: This variant has not been reported in the literature in individuals affected with TNPO3-related conditions. In summary, the available evidence is currently insufficient to determine the role of this variant in disease. Therefore, it has been classified as a Variant of Uncertain Significance. Advanced modeling of protein sequence and biophysical properties (such as structural, functional, and spatial information, amino acid conservation, physicochemical variation, residue mobility, and thermodynamic stability) performed at Invitae indicates that this missense variant is not expected to disrupt TNPO3 protein function. This variant is present in population databases (no rsID available, gnomAD 0.002%). This sequence change replaces leucine, which is neutral and non-polar, with phenylalanine, which is neutral and non-polar, at codon 198 of the TNPO3 protein (p.Leu198Phe).

NM_012470.4(TNPO3):c.592C>T (p.Leu198Phe)

Gene: TNPO3 (transportin 3; minus strand). Cytogenetic location: 7q32.1.
Variant type: single nucleotide variant.
Coding change: c.592C>T on transcript NM_012470.4 (MANE Select); coding-DNA position 592, C replaced by T.
Protein change: p.Leu198Phe; replaces leucine 198 with phenylalanine.
Molecular consequence: missense variant. On other transcripts: non-coding transcript variant (18), intron variant (1).
Genome position (GRCh38, 1-based): chr7:129,005,120, G>A on the plus strand (C>T on the coding strand, the complement: TNPO3 is on the minus strand). VCF-style: chr7-129005120-G-A. GRCh37 (hg19) VCF-style: chr7-128645174-G-A.
Other names: c.592C>T, p.Leu198Phe (NM_001191028.3, NM_001382216.1, NM_001382218.1 and 4 more transcripts); c.673C>T, p.Leu225Phe (NM_001382217.1); c.553-3886C>T (NM_001382221.1); c.592C>T (NM_012470.3); short protein forms L198F, L225F.
Identifiers: ClinVar variation 2895466 (VCV002895466.4), dbSNP rs1289436449, ClinGen allele CA369241994.
Genomic context (GRCh38, chr7:129,005,120, plus strand): 5'-AGTTACTGTCCAAAACTCCCAAGTTAAACCAACTTCCCAAACAGCGAAAAACCTTCATAA[G>A]CATTTTCTCATCTGTTCCTGCTTTTTCTACACAGGTCATCTGAATAGAGAAAAAAACTTA-3'
Protein context (NP_036602.1, residues 188-208): VEKAGTDEKM[Leu198Phe]MKVFRCLGSW